The following is an entry in ClinVar:

NM_000445.5(PLEC):c.22G>A (p.Val8Ile)

Gene: PLEC (plectin; minus strand). Cytogenetic location: 8q24.3.
Variant type: single nucleotide variant.
Coding change: c.22G>A on transcript NM_000445.5; coding-DNA position 22, G replaced by A.
Protein change: p.Val8Ile; replaces valine 8 with isoleucine.
Molecular consequence: missense variant.
Genome position (GRCh38, 1-based): chr8:143,975,348, C>T on the plus strand (G>A on the coding strand, the complement: PLEC is on the minus strand). VCF-style: chr8-143975348-C-T. GRCh37 (hg19) VCF-style: chr8-145049516-C-T.
Other names: c.22G>A, p.Val8Ile (NM_001410941.1); short protein forms V8I.
Identifiers: ClinVar variation 864561 (VCV000864561.8), dbSNP rs1554745729, ClinGen allele CA372492297.

ClinVar aggregate classification (germline): Uncertain significance (1 of 4 stars; one submission).

Conditions:
Epidermolysis bullosa simplex 5C, with pyloric atresia (EBS5C). Also called: PLEC-Related Epidermolysis Bullosa with Pyloric Atresia; Epidermolysis bullosa simplex with pyloric atresia; PLEC1-Related Epidermolysis Bullosa with Pyloric Atresia. Identifiers: Orphanet 158684, MedGen C2677349, MONDO:0012807, OMIM 612138.
Autosomal recessive limb-girdle muscular dystrophy type 2Q (LGMDR17). Also called: MUSCULAR DYSTROPHY, LIMB-GIRDLE, AUTOSOMAL RECESSIVE 17. Identifiers: Orphanet 254361, MedGen C3150989, MONDO:0013390, OMIM 613723.
Epidermolysis bullosa simplex with nail dystrophy (EBS5D). Identifiers: MedGen C4225309, MONDO:0014661, OMIM 616487.
Epidermolysis bullosa simplex 5B, with muscular dystrophy (EBS5B). Also called: EPIDERMOLYSIS BULLOSA SIMPLEX AND LIMB-GIRDLE MUSCULAR DYSTROPHY; Epidermolysis bullosa simplex with muscular dystrophy. Identifiers: Orphanet 257, MedGen C2931072, MONDO:0009181, OMIM 226670.
Epidermolysis bullosa simplex, Ogna type (EBS5A). Also called: Pidermolysis bullosa simplex 5A, Ogna type; EPIDERMOLYSIS BULLOSA SIMPLEX 5A, OGNA TYPE. Identifiers: Orphanet 79401, MedGen C0432317, MONDO:0007555, OMIM 131950.

Allele frequency attached by ClinVar (database versions not stated): gnomAD exomes 0.00002.
gnomAD v4.1: 4 of 1,609,760 alleles (0.00025%); highest among the groups gnomAD compares: Admixed American, 0.0067%; no homozygotes.

Submission:

Labcorp Genetics (formerly Invitae), Labcorp
Classification: Uncertain significance for Autosomal recessive limb-girdle muscular dystrophy type 2Q; Epidermolysis bullosa simplex, Ogna type; Epidermolysis bullosa simplex with nail dystrophy; Epidermolysis bullosa simplex 5C, with pyloric atresia; Epidermolysis bullosa simplex 5B, with muscular dystrophy. Last evaluated: 2024-11-13. Review status: criteria provided, single submitter. Criteria: Invitae Variant Classification Sherloc (09022015). Collection method: clinical testing. Allele origin: germline.
Comment: This sequence change replaces valine, which is neutral and non-polar, with isoleucine, which is neutral and non-polar, at codon 8 of the PLEC protein (p.Val8Ile). This variant is present in population databases (no rsID available, gnomAD 0.01%). This variant has not been reported in the literature in individuals affected with PLEC-related conditions. ClinVar contains an entry for this variant (Variation ID: 864561). Experimental studies and prediction algorithms are not available or were not evaluated, and the functional significance of this variant is currently unknown. In summary, the available evidence is currently insufficient to determine the role of this variant in disease. Therefore, it has been classified as a Variant of Uncertain Significance.